The following is an entry in ClinVar:

ClinVar aggregate classification (germline): Uncertain significance (0 of 4 stars; one submission).

Conditions:
Carcinoma of colon (CRC). Also called: Colonic carcinoma; Colon carcinoma. Identifiers: MedGen C0699790, MONDO:0002032.

Submission:

Immunobiology Lab; University of Kashmir
Classification: Uncertain significance for Carcinoma of colon. Last evaluated: 2014-05-07. Review status: no assertion criteria provided. Collection method: case-control. Allele origin: somatic. Affected: yes. Study: Mutational Hotspot profiling of Tyrosine Kinase domain of VEGF receptors in Human colorectal tumors.
Comment: The variation(s) were confirmed by double pass sequencing of PCR products amplified from genomic DNA of colonic lesions fron colorectal patients

NM_182925.5(FLT4):c.3002-9A>C

Gene: FLT4 (fms related receptor tyrosine kinase 4; minus strand). Cytogenetic location: 5q35.3.
Variant type: single nucleotide variant.
Coding change: c.3002-9A>C on transcript NM_182925.5 (MANE Select); 9 bases into the intron before coding-DNA position 3002, A replaced by C.
Molecular consequence: intron variant.
Genome position (GRCh38, 1-based): chr5:180,617,003, T>G on the plus strand (A>C on the coding strand, the complement: FLT4 is on the minus strand). VCF-style: chr5-180617003-T-G. GRCh37 (hg19) VCF-style: chr5-180044003-T-G.
Other names: KP684487; c.3002-9A>C (NM_001354989.2, NM_002020.5).
Identifiers: ClinVar variation 204358 (VCV000204358.3), dbSNP rs796052114, ClinGen allele CA251299.